The following is an entry in ClinVar:

ClinVar aggregate classification (germline): Uncertain significance. Review status: criteria provided, multiple submitters, no conflicts (2 of 4 stars). 4 submissions from 4 submitters: Uncertain significance (3). 1 of the submissions does not count toward it. Last evaluated 2025-05-29.

Conditions:
TH-deficient dopa-responsive dystonia. Also called: Segawa syndrome, autosomal recessive; Tyrosine Hydroxylase-Deficient Dopa-Responsive Dystonia; DYT-TH. Identifiers: Orphanet 101150, MedGen C2673535, MONDO:0011551, OMIM 605407.
Inborn genetic diseases. Identifiers: MedGen C0950123, MeSH D030342.

Allele frequency attached by ClinVar (database versions not stated): gnomAD 0.00003; gnomAD exomes 0.00002; TOPMed 0.00002; ExAC 0.00002.
gnomAD v4.1: 39 of 1,612,798 alleles (0.0024%); highest among the groups gnomAD compares: South Asian, 0.0077%; no homozygotes.

Submissions (4):

Ambry Genetics
Classification: Uncertain significance for Inborn genetic diseases. Last evaluated: 2025-05-29. Review status: criteria provided, single submitter. Criteria: Ambry Variant Classification Scheme 2023. Collection method: clinical testing. Allele origin: germline.

Fulgent Genetics
Classification: Uncertain significance for TH-deficient dopa-responsive dystonia. Last evaluated: 2021-11-22. Review status: criteria provided, single submitter. Criteria: ACMG Guidelines, 2015. Collection method: clinical testing. Allele origin: unknown.

Labcorp Genetics (formerly Invitae), Labcorp
Classification: Uncertain significance for TH-deficient dopa-responsive dystonia. Last evaluated: 2021-09-17. Review status: criteria provided, single submitter. Criteria: Invitae Variant Classification Sherloc (09022015). Collection method: clinical testing. Allele origin: germline.
Comment: This sequence change replaces valine with methionine at codon 464 of the TH protein (p.Val464Met). The valine residue is highly conserved and there is a small physicochemical difference between valine and methionine. This variant is present in population databases (rs772641972, ExAC 0.006%). This variant has not been reported in the literature in individuals affected with TH-related conditions. Algorithms developed to predict the effect of missense changes on protein structure and function are either unavailable or do not agree on the potential impact of this missense change (SIFT: "Deleterious"; PolyPhen-2: "Probably Damaging"; Align-GVGD: "Class C0"). In summary, the available evidence is currently insufficient to determine the role of this variant in disease. Therefore, it has been classified as a Variant of Uncertain Significance.

Natera, Inc.
Classification: Uncertain significance for Autosomal recessive Segawa syndrome. Last evaluated: 2020-09-16. Review status: no assertion criteria provided. Collection method: clinical testing. Allele origin: germline. Not counted in ClinVar's aggregate classification.

NM_000360.4(TH):c.1297G>A (p.Val433Met)

Gene: TH (tyrosine hydroxylase; minus strand). Cytogenetic location: 11p15.5.
Variant type: single nucleotide variant.
Coding change: c.1297G>A on transcript NM_000360.4 (MANE Select); coding-DNA position 1297, G replaced by A.
Protein change: p.Val433Met; replaces valine 433 with methionine.
Molecular consequence: missense variant.
Genome position (GRCh38, 1-based): chr11:2,165,269, C>T on the plus strand (G>A on the coding strand, the complement: TH is on the minus strand). VCF-style: chr11-2165269-C-T. GRCh37 (hg19) VCF-style: chr11-2186499-C-T.
Other names: c.1390G>A, p.Val464Met (NM_199292.3); c.1378G>A, p.Val460Met (NM_199293.3); short protein forms V464M, V433M, V460M.
Identifiers: ClinVar variation 857717 (VCV000857717.46), dbSNP rs772641972, ClinGen allele CA5818307.